The following is an entry in ClinVar:

ClinVar aggregate classification (germline): Uncertain significance. Review status: criteria provided, multiple submitters, no conflicts (2 of 4 stars). 3 submissions from 3 submitters: Uncertain significance (3). Last evaluated 2025-12-29.

Conditions:
Pyridoxine-dependent epilepsy (EPEO4). Also called: Pyridoxine-Dependent Seizures; Pyridoxine-Dependent Epilepsy - ALDH7A1; PYRIDOXINE DEPENDENCY WITH SEIZURES; EPILEPSY, EARLY-ONSET, 4, VITAMIN B6-DEPENDENT. Identifiers: Orphanet 3006, MedGen C1849508, MONDO:0009945, OMIM 266100. Disease mechanism: loss of function.

Allele frequency attached by ClinVar (database versions not stated): gnomAD 0.00001; TOPMed 0.00002; gnomAD exomes 0.00004.
gnomAD v4.1: 15 of 1,551,874 alleles (0.00097%); highest among the groups gnomAD compares: East Asian, 0.02%; no homozygotes.

Submissions (3):

GeneDx
Classification: Uncertain significance. Last evaluated: 2025-12-29. Review status: criteria provided, single submitter. Criteria: GeneDx Variant Classification Process June 2021. Collection method: clinical testing. Allele origin: germline. Affected: yes.
Comment: In silico analysis suggests that this missense variant does not alter protein structure/function; Reported with a second variant in ALDH7A1 in a patient with clinical features of ALDH7A1-related disorder; however, the full text of this publication was not available (Wenjing HU et al. (2023) Chinese Journal of Neurology.); This variant is associated with the following publications: (PMID: Wenjing2023[article])

Genome-Nilou Lab
Classification: Uncertain significance for Pyridoxine-dependent epilepsy. Last evaluated: 2023-04-11. Review status: criteria provided, single submitter. Criteria: ACMG Guidelines, 2015. Collection method: clinical testing. Allele origin: germline. Affected: no.

Labcorp Genetics (formerly Invitae), Labcorp
Classification: Uncertain significance for Pyridoxine-dependent epilepsy. Last evaluated: 2021-08-28. Review status: criteria provided, single submitter. Criteria: Invitae Variant Classification Sherloc (09022015). Collection method: clinical testing. Allele origin: germline.
Comment: This sequence change replaces arginine with cysteine at codon 3 of the ALDH7A1 protein (p.Arg3Cys). The arginine residue is weakly conserved and there is a large physicochemical difference between arginine and cysteine. This variant is not present in population databases (ExAC no frequency). This variant has not been reported in the literature in individuals affected with ALDH7A1-related conditions. ClinVar contains an entry for this variant (Variation ID: 204853). Algorithms developed to predict the effect of missense changes on protein structure and function (SIFT, PolyPhen-2, Align-GVGD) all suggest that this variant is likely to be tolerated. In summary, the available evidence is currently insufficient to determine the role of this variant in disease. Therefore, it has been classified as a Variant of Uncertain Significance.

NM_001182.5(ALDH7A1):c.7C>T (p.Arg3Cys)

Gene: ALDH7A1 (aldehyde dehydrogenase 7 family member A1; minus strand). Cytogenetic location: 5q23.2.
Variant type: single nucleotide variant.
Coding change: c.7C>T on transcript NM_001182.5 (MANE Select); coding-DNA position 7, C replaced by T.
Protein change: p.Arg3Cys; replaces arginine 3 with cysteine.
Molecular consequence: missense variant. On other transcripts: 5 prime UTR variant (1).
Genome position (GRCh38, 1-based): chr5:126,595,192, G>A on the plus strand (C>T on the coding strand, the complement: ALDH7A1 is on the minus strand). VCF-style: chr5-126595192-G-A. GRCh37 (hg19) VCF-style: chr5-125930884-G-A.
Other names: p.R3C:CGC>TGC; c.-78C>T (NM_001201377.2); c.7C>T, p.Arg3Cys (NM_001202404.2); short protein forms R3C.
Identifiers: ClinVar variation 204853 (VCV000204853.8), dbSNP rs796052265, ClinGen allele CA313213.